The following is an entry in ClinVar:

NM_004415.4(DSP):c.178G>A (p.Gly60Ser)

Gene: DSP (desmoplakin; plus strand). Cytogenetic location: 6p24.3.
Variant type: single nucleotide variant.
Coding change: c.178G>A on transcript NM_004415.4 (MANE Select); coding-DNA position 178, G replaced by A.
Protein change: p.Gly60Ser; replaces glycine 60 with serine.
Molecular consequence: missense variant.
Genome position (GRCh38, 1-based): chr6:7,555,725, G>A. VCF-style: chr6-7555725-G-A. GRCh37 (hg19) VCF-style: chr6-7555958-G-A.
Other names: c.178G>A (NM_004415.3); c.178G>A, p.Gly60Ser (NM_001008844.3, NM_001319034.2); short protein forms G60S.
Identifiers: ClinVar variation 949785 (VCV000949785.19), dbSNP rs982933033, ClinGen allele CA133947976.
Genomic context (GRCh38, chr6:7,555,725, plus strand): 5'-CAGAATTGAAATAGGTTATTTGATGTCTGGTTTCTCTGTGTTTGCCTCCTTAGTCAAACC[G>A]GCACGATGTCCAGGCACCAGAACCAGAACACCATCCAGGAGCTGCTGCAGAACTGCTCCG-3'
Protein context (NP_004406.2, residues 50-70): DQNSDGYCQT[Gly60Ser]TMSRHQNQNT

ClinVar aggregate classification (germline): Conflicting classifications of pathogenicity. Review status: criteria provided, conflicting classifications (1 of 4 stars). 7 submissions from 7 submitters: Uncertain significance (6); Likely benign (1). Last evaluated 2025-11-08.

Conditions:
Arrhythmogenic cardiomyopathy with wooly hair and keratoderma. Also called: PALMOPLANTAR KERATODERMA WITH LEFT VENTRICULAR CARDIOMYOPATHY AND WOOLLY HAIR; Carvajal syndrome; Dilated cardiomyopathy with woolly hair and keratoderma; Arrhythmogenic cardiomyopathy with woolly hair and keratoderma. Identifiers: Orphanet 65282, MedGen C1854063, MONDO:0011581, OMIM 605676.
Arrhythmogenic right ventricular dysplasia 8 (ARVD8). Also called: Arrhythmogenic Right Ventricular Dysplasia/Cardiomyopathy 8; ARRHYTHMOGENIC RIGHT VENTRICULAR CARDIOMYOPATHY 8; ARRHYTHMOGENIC RIGHT VENTRICULAR DYSPLASIA, FAMILIAL, 8. Identifiers: MedGen C1843896, MONDO:0011831, OMIM 607450.
DSP-related disorder. Also called: DSP-related condition; DSP-related disorders.
Cardiovascular phenotype. Identifiers: MedGen CN230736.
Cardiomyopathy, dilated, with wooly hair, keratoderma, and tooth agenesis. Also called: Cardiomyopathy, dilated, with woolly hair, keratoderma, and tooth agenesis; Erythrokeratodermia-cardiomyopathy syndrome. Identifiers: Orphanet 476096, Orphanet 65282, MedGen C4014393, MONDO:0014355, OMIM 615821.
Keratosis palmoplantaris striata 2. Also called: KERATODERMA, PALMOPLANTAR, STRIATE FORM II; STRIATE PALMOPLANTAR KERATODERMA II; Keratosis palmoplantaris striata II. Identifiers: MedGen C1852127, MONDO:0013034, OMIM 612908.
Woolly hair-skin fragility syndrome (WHSF). Identifiers: Orphanet 293165, MedGen C1843292, MONDO:0957307, OMIM 620415.
Lethal acantholytic epidermolysis bullosa (EBLA). Identifiers: Orphanet 158687, MedGen C1864826, MONDO:0012323, OMIM 609638.
Cardiomyopathy (CMYO). Also called: Cardiomyopathies. Identifiers: Orphanet 167848, MedGen C0878544, MONDO:0004994, HP:0001638. Inheritance: Various modes of inheritance.

Allele frequency attached by ClinVar (database versions not stated): gnomAD exomes 0.00001; TOPMed 0.00001.
gnomAD v4.1: 20 of 1,614,024 alleles (0.0012%); highest among the groups gnomAD compares: East Asian, 0.016%; no homozygotes.

Submissions (7):

Labcorp Genetics (formerly Invitae), Labcorp
Classification: Likely benign for Arrhythmogenic cardiomyopathy with wooly hair and keratoderma; Arrhythmogenic right ventricular dysplasia 8. Last evaluated: 2025-11-08. Review status: criteria provided, single submitter. Criteria: Invitae Variant Classification Sherloc (09022015). Collection method: clinical testing. Allele origin: germline.

PreventionGenetics, part of Exact Sciences
Classification: Uncertain significance for DSP-related condition. Last evaluated: 2025-06-13. Review status: criteria provided, single submitter. Criteria: ACMG Guidelines, 2015. Collection method: clinical testing. Allele origin: germline.
Comment: The DSP c.178G>A variant is predicted to result in the amino acid substitution p.Gly60Ser. To our knowledge, this variant has not been reported in the literature. This variant is reported in 0.011% of alleles in individuals of African descent in gnomAD. At this time, the clinical significance of this variant is uncertain due to the absence of conclusive functional and genetic evidence.

Women's Health and Genetics/Laboratory Corporation of America, LabCorp
Classification: Uncertain significance. Last evaluated: 2025-04-04. Review status: criteria provided, single submitter. Criteria: LabCorp Variant Classification Summary - May 2015. Collection method: clinical testing. Allele origin: germline.
Comment: Variant summary: DSP c.178G>A (p.Gly60Ser) results in a non-conservative amino acid change in the encoded protein sequence. Three of five in-silico tools predict a benign effect of the variant on protein function. The variant was absent in 251332 control chromosomes. The available data on variant occurrences in the general population are insufficient to allow any conclusion about variant significance. c.178G>A has been reported in the literature in at least one individual affected with Peripartum cardiomyopathy, without evidence for causality (e.g. Goli_2022). These report(s) do not provide unequivocal conclusions about association of the variant with Arrhythmogenic Right Ventricular Dysplasia/Cardiomyopathy. To our knowledge, no experimental evidence demonstrating an impact on protein function has been reported. The following publication has been ascertained in the context of this evaluation (PMID: 33874732). ClinVar contains an entry for this variant (Variation ID: 949785). Based on the evidence outlined above, the variant was classified as uncertain significance.

All of Us Research Program, National Institutes of Health
Classification: Uncertain significance for Arrhythmogenic cardiomyopathy with wooly hair and keratoderma. Last evaluated: 2024-05-14. Review status: criteria provided, single submitter. Criteria: ACMG Guidelines, 2015. Collection method: clinical testing. Allele origin: germline. Inheritance: Autosomal dominant inheritance. Observed: 9 variant alleles, 9 heterozygotes.
Comment: This missense variant replaces glycine with serine at codon 60 of the DSP protein. Computational prediction suggests that this variant may not impact protein structure and function (internally defined REVEL score threshold <= 0.5, PMID: 27666373). To our knowledge, functional studies have not been reported for this variant. This variant has not been reported in individuals affected with DSP-related disorders in the literature. This variant has been identified in 1/31410 chromosomes in the general population by the Genome Aggregation Database (gnomAD). The available evidence is insufficient to determine the role of this variant in disease conclusively. Therefore, this variant is classified as a Variant of Uncertain Significance.

This study involves interpretation of variants in research participants for the purpose of population health screening. Participant phenotype was not available at the time of variant classification. Additional details can be found in publication PMID: 35346344, PMCID: PMC8962531

Color Diagnostics, LLC DBA Color Health
Classification: Uncertain significance for Cardiomyopathy. Last evaluated: 2024-02-12. Review status: criteria provided, single submitter. Criteria: ACMG Guidelines, 2015. Collection method: clinical testing. Allele origin: germline.
Comment: This missense variant replaces glycine with serine at codon 60 of the DSP protein. Computational prediction tools indicate that this variant has a neutral impact on protein structure and function. To our knowledge, functional studies have not been reported for this variant. This variant has been reported in one individual affected with peripartum cardiomyopathy (PMID: 33874732). This variant has been identified in 1/31410 chromosomes in the general population by the Genome Aggregation Database (gnomAD). The available evidence is insufficient to determine the role of this variant in disease conclusively. Therefore, this variant is classified as a Variant of Uncertain Significance.

Ambry Genetics
Classification: Uncertain significance for Cardiovascular phenotype. Last evaluated: 2022-10-06. Review status: criteria provided, single submitter. Criteria: Ambry Variant Classification Scheme 2023. Collection method: clinical testing. Allele origin: germline.
Comment: The p.G60S variant (also known as c.178G>A), located in coding exon 2 of the DSP gene, results from a G to A substitution at nucleotide position 178. The glycine at codon 60 is replaced by serine, an amino acid with similar properties. This amino acid position is well conserved in available vertebrate species. In addition, the in silico prediction for this alteration is inconclusive. Since supporting evidence is limited at this time, the clinical significance of this alteration remains unclear.

Fulgent Genetics
Classification: Uncertain significance for Arrhythmogenic cardiomyopathy with wooly hair and keratoderma; Arrhythmogenic right ventricular dysplasia 8; Lethal acantholytic epidermolysis bullosa; Keratosis palmoplantaris striata 2; Cardiomyopathy, dilated, with wooly hair, keratoderma, and tooth agenesis. Last evaluated: 2021-10-04. Review status: criteria provided, single submitter. Criteria: ACMG Guidelines, 2015. Collection method: clinical testing. Allele origin: unknown.

Literature cited by the submitters: PubMed 33874732 (cited by Women's Health and Genetics/Laboratory Corporation of America, LabCorp and Color Diagnostics, LLC DBA Color Health).